The following is an entry in ClinVar:

NM_025114.4(CEP290):c.2216A>T (p.Lys739Met)

Gene: CEP290 (centrosomal protein 290; minus strand). Cytogenetic location: 12q21.32.
Variant type: single nucleotide variant.
Coding change: c.2216A>T on transcript NM_025114.4 (MANE Select); coding-DNA position 2216, A replaced by T.
Protein change: p.Lys739Met; replaces lysine 739 with methionine.
Molecular consequence: missense variant.
Genome position (GRCh38, 1-based): chr12:88,111,695, T>A on the plus strand (A>T on the coding strand, the complement: CEP290 is on the minus strand). VCF-style: chr12-88111695-T-A. GRCh37 (hg19) VCF-style: chr12-88505472-T-A.
Other names: short protein forms K739M.
Identifiers: ClinVar variation 880902 (VCV000880902.11), dbSNP rs1378036383, ClinGen allele CA385974770.

ClinVar aggregate classification (germline): Uncertain significance. Review status: criteria provided, multiple submitters, no conflicts (2 of 4 stars). 8 submissions from 4 submitters: Uncertain significance (8). Last evaluated 2024-11-25.

Conditions:
Inborn genetic diseases. Identifiers: MedGen C0950123, MeSH D030342.
Meckel syndrome, type 4 (MKS4). Also called: MECKEL-GRUBER SYNDROME, TYPE 4. Identifiers: Orphanet 564, MedGen C1970161, MONDO:0012626, OMIM 611134.
Bardet-Biedl syndrome 14 (BBS14). Identifiers: Orphanet 110, MedGen C2673874, MONDO:0014442, OMIM 615991.
Leber congenital amaurosis 10 (LCA10). Identifiers: Orphanet 65, MedGen C1857821, MONDO:0012723, OMIM 611755.
Senior-Loken syndrome 6 (SLSN6). Identifiers: Orphanet 3156, MedGen C1857779, MONDO:0012433, OMIM 610189.
Nephronophthisis. Also called: Juvenile Nephronophthisis. Identifiers: Orphanet 655, MedGen C0687120, MONDO:0019005, HP:0000090.
Joubert syndrome. Also called: JOUBERT-BOLTSHAUSER SYNDROME; Familial aplasia of the vermis. Identifiers: Orphanet 475, MedGen C5979921, MONDO:0018772.
Meckel-Gruber syndrome. Also called: GRUBER SYNDROME; Dysencephalia splachnocystica; DYSENCEPHALIA SPLANCHNOCYSTICA. Identifiers: Orphanet 564, MedGen C0265215, MONDO:0018921.
Joubert syndrome 5 (JBTS5). Identifiers: Orphanet 2318, MedGen C1857780, MONDO:0012432, OMIM 610188.

Allele frequency attached by ClinVar (database versions not stated): gnomAD exomes below 0.00001; gnomAD 0.00001; TOPMed 0.00001.
gnomAD v4.1: 4 of 1,575,244 alleles (0.00025%); highest among the groups gnomAD compares: Non-Finnish European, 0.00034%; no homozygotes.

Submissions (8):

Ambry Genetics
Classification: Uncertain significance for Inborn genetic diseases. Last evaluated: 2024-11-25. Review status: criteria provided, single submitter. Criteria: Ambry Variant Classification Scheme 2023. Collection method: clinical testing. Allele origin: germline.

Blueprint Genetics
Classification: Uncertain significance. Last evaluated: 2024-11-22. Review status: criteria provided, single submitter. Criteria: ACMG Guidelines, 2015. Collection method: clinical testing. Allele origin: germline.

Labcorp Genetics (formerly Invitae), Labcorp
Classification: Uncertain significance for Joubert syndrome; Meckel-Gruber syndrome; Nephronophthisis. Last evaluated: 2022-07-12. Review status: criteria provided, single submitter. Criteria: Invitae Variant Classification Sherloc (09022015). Collection method: clinical testing. Allele origin: germline.
Comment: This sequence change replaces lysine, which is basic and polar, with methionine, which is neutral and non-polar, at codon 739 of the CEP290 protein (p.Lys739Met). This variant is not present in population databases (gnomAD no frequency). This variant has not been reported in the literature in individuals affected with CEP290-related conditions. ClinVar contains an entry for this variant (Variation ID: 880902). Algorithms developed to predict the effect of missense changes on protein structure and function are either unavailable or do not agree on the potential impact of this missense change (SIFT: "Deleterious"; PolyPhen-2: "Probably Damaging"; Align-GVGD: "Class C0"). Algorithms developed to predict the effect of sequence changes on RNA splicing suggest that this variant may disrupt the consensus splice site. In summary, the available evidence is currently insufficient to determine the role of this variant in disease. Therefore, it has been classified as a Variant of Uncertain Significance.

Illumina Laboratory Services, Illumina
Classification: Uncertain significance for Leber congenital amaurosis 10. Last evaluated: 2018-01-12. Review status: criteria provided, single submitter. Criteria: ICSL Variant Classification Criteria 13 December 2019. Collection method: clinical testing. Allele origin: germline.

Illumina Laboratory Services, Illumina
Classification: Uncertain significance for Bardet-Biedl syndrome 14. Last evaluated: 2018-01-12. Review status: criteria provided, single submitter. Criteria: ICSL Variant Classification Criteria 13 December 2019. Collection method: clinical testing. Allele origin: germline.

Illumina Laboratory Services, Illumina
Classification: Uncertain significance for Meckel syndrome, type 4. Last evaluated: 2018-01-12. Review status: criteria provided, single submitter. Criteria: ICSL Variant Classification Criteria 13 December 2019. Collection method: clinical testing. Allele origin: germline.

Illumina Laboratory Services, Illumina
Classification: Uncertain significance for Senior-Loken syndrome 6. Last evaluated: 2018-01-12. Review status: criteria provided, single submitter. Criteria: ICSL Variant Classification Criteria 13 December 2019. Collection method: clinical testing. Allele origin: germline.

Illumina Laboratory Services, Illumina
Classification: Uncertain significance for Joubert syndrome 5. Last evaluated: 2018-01-12. Review status: criteria provided, single submitter. Criteria: ICSL Variant Classification Criteria 13 December 2019. Collection method: clinical testing. Allele origin: germline.